The following is an entry in ClinVar:

ClinVar aggregate classification (germline): Pathogenic (1 of 4 stars; one submission).

Conditions:
Macrothrombocytopenia and granulocyte inclusions with or without nephritis or sensorineural hearing loss (MATINS). Also called: ALPORT SYNDROME WITH MACROTHROMBOCYTOPENIA; Fechtner syndrome; Epstein syndrome; Giant platelet syndrome with thrombocytopenia; SEBASTIAN PLATELET SYNDROME; MACROTHROMBOCYTOPENIA WITH DISPERSED LEUKOCYTIC INCLUSIONS. Identifiers: Orphanet 182050, MedGen C5200934, MONDO:0015912, OMIM 155100.

Submission:

ISTH-SSC Genomics in Thrombosis and Hemostasis, KU Leuven, Center for Molecular and Vascular Biology
Classification: Pathogenic for Macrothrombocytopenia and granulocyte inclusions with or without nephritis or sensorineural hearing loss. Review status: criteria provided, single submitter. Criteria: ACMG Guidelines, 2015. Collection method: clinical testing. Allele origin: germline. Affected: yes. Observed: 1 heterozygote.
Comment: Submitted to GoldVariant by Jose María Bastida and José Rivera; Grupo Español de Alteraciones Plaquetarias Congénitas (GEAPC)

NM_002473.6(MYH9):c.5765+2T>C

Gene: MYH9 (myosin heavy chain 9; minus strand). Cytogenetic location: 22q12.3.
Variant type: single nucleotide variant.
Coding change: c.5765+2T>C on transcript NM_002473.6 (MANE Select); the canonical splice donor site of the intron after coding-DNA position 5765, T replaced by C.
Molecular consequence: splice donor variant.
Genome position (GRCh38, 1-based): chr22:36,284,091, A>G on the plus strand (T>C on the coding strand, the complement: MYH9 is on the minus strand). VCF-style: chr22-36284091-A-G. GRCh37 (hg19) VCF-style: chr22-36680137-A-G.
Identifiers: ClinVar variation 1703779 (VCV001703779.2), dbSNP rs878924546, ClinGen allele CA323585160.